The following is an entry in ClinVar:

NM_001267550.2(TTN):c.35053del (p.His11685fs)

Gene: TTN (titin; minus strand). Cytogenetic location: 2q31.2.
Variant type: Deletion.
Coding change: c.35053del on transcript NM_001267550.2 (MANE Select); coding-DNA position 35053, one base deleted (C; older notation c.35053delC).
Protein change: p.His11685fs; shifts the reading frame from histidine 11685.
Molecular consequence: frameshift variant. On other transcripts: intron variant (3).
Genome position (GRCh38, 1-based): chr2:178,672,145, G deleted on the plus strand (C on the coding strand, the reverse complement: TTN is on the minus strand); the first of 2 consecutive G bases (chr2:178,672,145-178,672,146); deleting either gives the same sequence. VCF-style (leftmost placement, unchanged base first): chr2-178672144-TG-T. GRCh37 (hg19) VCF-style: chr2-179536871-TG-T.
Other names: c.33931del, p.His11311fs (NM_001256850.1); c.31150del, p.His10384fs (NM_133378.4); c.13283-29828del (NM_003319.4); c.13859-29828del (NM_133437.4); c.13658-29828del (NM_133432.3); short protein forms H10384fs, H11311fs, H11685fs.
Identifiers: ClinVar variation 3756667 (VCV003756667.2).

ClinVar aggregate classification (germline): Likely pathogenic (1 of 4 stars; one submission).

Conditions:
Dilated cardiomyopathy 1G (CMD1G). Identifiers: Orphanet 154, MedGen C1858763, MONDO:0011400, OMIM 604145.
Autosomal recessive limb-girdle muscular dystrophy type 2J (LGMDR10). Also called: Limb-girdle muscular dystrophy, type 2J; MUSCULAR DYSTROPHY, LIMB-GIRDLE, AUTOSOMAL RECESSIVE 10. Identifiers: Orphanet 140922, MedGen C1837342, MONDO:0012127, OMIM 608807.

Submission:

Labcorp Genetics (formerly Invitae), Labcorp
Classification: Likely pathogenic for Dilated cardiomyopathy 1G; Autosomal recessive limb-girdle muscular dystrophy type 2J. Last evaluated: 2024-06-04. Review status: criteria provided, single submitter. Criteria: Invitae Variant Classification Sherloc (09022015). Collection method: clinical testing. Allele origin: germline.
Comment: This sequence change creates a premature translational stop signal (p.His11685Metfs*15) in the TTN gene. While this is not anticipated to result in nonsense mediated decay, it is expected to create a truncated TTN protein. This variant is not present in population databases (gnomAD no frequency). This variant has not been reported in the literature in individuals affected with TTN-related conditions. This variant is located in the I band of TTN (PMID: 25589632). Truncating variants in this region have been reported in individuals affected with autosomal recessive centronuclear myopathy (PMID: 23975875, Invitae internal data). Truncating variants in this region have also been identified in individuals affected with autosomal dominant dilated cardiomyopathy and/or cardio-related conditions (PMID: 27869827, 32964742, Invitae internal data). In summary, the currently available evidence indicates that the variant is pathogenic, but additional data are needed to prove that conclusively. Therefore, this variant has been classified as Likely Pathogenic.

Literature cited by the submitters: PubMed 25589632; PubMed 23975875; PubMed 27869827; PubMed 32964742.